The following is an entry in ClinVar:

ClinVar aggregate classification (germline): Uncertain significance (1 of 4 stars; one submission).

Submission:

GeneDx
Classification: Uncertain significance. Last evaluated: 2023-11-26. Review status: criteria provided, single submitter. Criteria: GeneDx Variant Classification Process June 2021. Collection method: clinical testing. Allele origin: germline. Affected: yes.
Comment: Not observed at significant frequency in large population cohorts (gnomAD); In silico analysis supports that this missense variant does not alter protein structure/function; Has not been previously published as pathogenic or benign to our knowledge

NM_014915.3(ANKRD26):c.3867T>A (p.Asp1289Glu)

Gene: ANKRD26 (ankyrin repeat domain containing 26; minus strand). Cytogenetic location: 10p12.1.
Variant type: single nucleotide variant.
Coding change: c.3867T>A on transcript NM_014915.3 (MANE Select); coding-DNA position 3867, T replaced by A.
Protein change: p.Asp1289Glu; replaces aspartic acid 1289 with glutamic acid.
Molecular consequence: missense variant.
Genome position (GRCh38, 1-based): chr10:27,029,297, A>T on the plus strand (T>A on the coding strand, the complement: ANKRD26 is on the minus strand). VCF-style: chr10-27029297-A-T. GRCh37 (hg19) VCF-style: chr10-27318226-A-T.
Other names: c.3864T>A, p.Asp1288Glu (NM_001256053.2); short protein forms D1288E, D1289E.
Identifiers: ClinVar variation 3364893 (VCV003364893.1).